The following is an entry in ClinVar:

ClinVar aggregate classification (germline): Pathogenic/Likely pathogenic. Review status: criteria provided, multiple submitters, no conflicts (2 of 4 stars). 2 submissions from 2 submitters: Pathogenic (1); Likely pathogenic (1). Last evaluated 2025-02-17.

Conditions:
Microcephaly 2, primary, autosomal recessive, with or without cortical malformations. Also called: MICROCEPHALY 2, PRIMARY, AUTOSOMAL RECESSIVE, WITH CORTICAL MALFORMATIONS; WDR62 Primary Microcephaly. Identifiers: Orphanet 2512, MedGen C1858535, MONDO:0011435, OMIM 604317.

gnomAD v4.1: 2 of 1,614,028 alleles (0.00012%); highest among the groups gnomAD compares: Non-Finnish European, 0.000085%; no homozygotes.

Submissions (2):

Greenwood Genetic Center Diagnostic Laboratories, Greenwood Genetic Center
Classification: Likely pathogenic for Microcephaly 2, primary, autosomal recessive, with or without cortical malformations. Last evaluated: 2025-02-17. Review status: criteria provided, single submitter. Criteria: ACMG Guidelines, 2015. Collection method: clinical testing. Allele origin: germline. Affected: yes.
Comment: PVS1, PM2

GeneDx
Classification: Pathogenic. Last evaluated: 2022-11-30. Review status: criteria provided, single submitter. Criteria: GeneDx Variant Classification Process June 2021. Collection method: clinical testing. Allele origin: germline. Affected: yes.
Comment: Canonical splice site variant predicted to result in a null allele in a gene for which loss of function is a known mechanism of disease; Not observed at significant frequency in large population cohorts (gnomAD); Has not been previously published as pathogenic or benign to our knowledge

NM_001083961.2(WDR62):c.3462+1G>C

Gene: WDR62 (WD repeat domain 62; plus strand). Cytogenetic location: 19q13.12.
Variant type: single nucleotide variant.
Coding change: c.3462+1G>C on transcript NM_001083961.2 (MANE Select); the canonical splice donor site of the intron after coding-DNA position 3462, G replaced by C.
Molecular consequence: splice donor variant.
Genome position (GRCh38, 1-based): chr19:36,103,075, G>C. VCF-style: chr19-36103075-G-C. GRCh37 (hg19) VCF-style: chr19-36593977-G-C.
Other names: c.3447+1G>C (NM_173636.5, NM_001411145.1); c.3213+1G>C (NM_001411146.1); c.3111+1G>C (NM_001411147.1).
Identifiers: ClinVar variation 1801978 (VCV001801978.2), dbSNP rs369923535, ClinGen allele CA405453672.
Genomic context (GRCh38, chr19:36,103,075, plus strand): 5'-GACCGAGGCGGAAGCCAGCCCAGAGCAGGTACTGGCTACGCCTCCCCAGACAGGACCCAC[G>C]TGAGTATTGGGCCCACCTCCGTCAGGGCACGGGGCTGGGAACCCTGAGGCCTTGTCCTCA-3'